The following is an entry in ClinVar:

ClinVar aggregate classification (germline): Uncertain significance (1 of 4 stars; one submission).

Submission:

Ambry Genetics
Classification: Uncertain significance. Last evaluated: 2026-06-10. Review status: criteria provided, single submitter. Criteria: Ambry Variant Classification Scheme 2023. Collection method: clinical testing. Allele origin: germline.
Comment: The c.404_406delACAinsCCG variant (also known as p.H135_S136delinsPG), located in coding exon 1 of the PALLD gene, results from an in-frame deletion of ACA and insertion of CCG at nucleotide positions 404 to 406. This results in the in-frame deletion of 2 residues (HS) and insertion of 2 new residues (PG) at codons 135 and 136. These amino acid positions are not well conserved in available vertebrate species. In addition, this variant is predicted to be neutral by in silico analysis (Choi Y et al. PLoS ONE. 2012; 7(10):e46688). The evidence for this gene-disease relationship is limited; therefore, the clinical significance of this variant is unclear.

NM_001166108.2(PALLD):c.1965-12627_1965-12625delinsCCG

Gene: PALLD (palladin, cytoskeletal associated protein; plus strand). Cytogenetic location: 4q32.3.
Variant type: Indel.
Coding change: c.1965-12627_1965-12625delinsCCG on transcript NM_001166108.2 (MANE Select); 12627 bases into the intron before coding-DNA position 1965 through 12625 bases into the intron before coding-DNA position 1965, ACA replaced by CCG.
Molecular consequence: intron variant. On other transcripts: missense variant (1).
Genome position (GRCh38, 1-based): chr4:168,878,295-168,878,297, ACA replaced by CCG. VCF-style: chr4-168878295-ACA-CCG. GRCh37 (hg19) VCF-style: chr4-169799446-ACA-CCG.
Other names: c.-157-12627_-157-12625delinsCCG (NM_001367568.1, NM_001367567.1, NM_001367569.1 and 1 more transcripts); c.404_406delinsCCG, p.His135_Ser136delinsProGly (NM_001166110.2); c.1965-12627_1965-12625delinsCCG (NM_016081.4); c.819-12627_819-12625delinsCCG (NM_001166109.2).
Identifiers: ClinVar variation 4861567 (VCV004861567.1).
Genomic context (GRCh38, chr4:168,878,295, plus strand): 5'-CGCCGCTCCCGAGCCCGGGACAGGCGTCCCACTGCTCGTCGCCTGCCACCCGCTTCGGCC[ACA>CCG]GCCAGACGCCCGCGGCCTTCCTCAGCGCTCTGCTGCCCTCGCAGCCGCCGCCGGCGGCCG-3'